The following is an entry in ClinVar:

ClinVar aggregate classification (germline): Likely benign. Review status: criteria provided, multiple submitters, no conflicts (2 of 4 stars). 2 submissions from 2 submitters: Likely benign (2). Last evaluated 2025-07-30.

Conditions:
Hereditary spastic paraplegia 28. Also called: Spastic paraplegia 28, autosomal recessive. Identifiers: Orphanet 101008, MedGen C1836295, MONDO:0012256, OMIM 609340.

Allele frequency attached by ClinVar (database versions not stated): gnomAD exomes 0.00004 and 0.00009; ExAC 0.00015; gnomAD 0.00029 and 0.00030; ESP Exome Variant Server 0.00031; TOPMed 0.00031; 1000 Genomes Project 0.00040; 1000 Genomes Project 30x 0.00047.
gnomAD v4.1: 114 of 1,608,660 alleles (0.0071%); highest among the groups gnomAD compares: African/African-American, 0.091%; no homozygotes.

Submissions (2):

Labcorp Genetics (formerly Invitae), Labcorp
Classification: Likely benign for Hereditary spastic paraplegia 28. Last evaluated: 2025-07-30. Review status: criteria provided, single submitter. Criteria: Invitae Variant Classification Sherloc (09022015). Collection method: clinical testing. Allele origin: germline.

GeneDx
Classification: Likely benign. Last evaluated: 2016-02-15. Review status: criteria provided, single submitter. Criteria: GeneDx Variant Classification (06012015). Collection method: clinical testing. Allele origin: germline. Affected: yes.
Comment: This variant is considered likely benign or benign based on one or more of the following criteria: it is a conservative change, it occurs at a poorly conserved position in the protein, it is predicted to be benign by multiple in silico algorithms, and/or has population frequency not consistent with disease.

NM_001160148.2(DDHD1):c.1008A>G (p.Lys336=)

Gene: DDHD1 (DDHD domain containing 1; minus strand). Cytogenetic location: 14q22.1.
Variant type: single nucleotide variant.
Coding change: c.1008A>G on transcript NM_001160148.2 (MANE Select); coding-DNA position 1008, A replaced by G.
Protein change: p.Lys336=; no amino-acid change (lysine 336 retained).
Molecular consequence: synonymous variant.
Genome position (GRCh38, 1-based): chr14:53,103,687, T>C on the plus strand (A>G on the coding strand, the complement: DDHD1 is on the minus strand). VCF-style: chr14-53103687-T-C. GRCh37 (hg19) VCF-style: chr14-53570405-T-C.
Other names: c.1008A>G, p.Lys336= (NM_001160147.2, NM_030637.3).
Identifiers: ClinVar variation 382602 (VCV000382602.10), dbSNP rs143307366, ClinGen allele CA7191365.
Genomic context (GRCh38, chr14:53,103,687, plus strand): 5'-TTTATCAACAACTTACTTGGTTTGTAGAATATATTAAATGTATCAATTGATCTTACCATC[T>C]TTTCCATCTATGGATTTTGACACTTCAATATCGAAATTTTCCTGCATCTGCTGGCCCCTA-3'
Protein context (NP_001153620.1, residues 326-346): DIEVSKSIDG[Lys336=]DAVHSFKLSR